The following is an entry in ClinVar:

NM_000143.4(FH):c.560C>T (p.Ser187Leu)

Gene: FH (fumarate hydratase; minus strand). Cytogenetic location: 1q43.
Variant type: single nucleotide variant.
Coding change: c.560C>T on transcript NM_000143.4 (MANE Select); coding-DNA position 560, C replaced by T.
Protein change: p.Ser187Leu; replaces serine 187 with leucine.
Molecular consequence: missense variant.
Genome position (GRCh38, 1-based): chr1:241,508,781, G>A on the plus strand (C>T on the coding strand, the complement: FH is on the minus strand). VCF-style: chr1-241508781-G-A. GRCh37 (hg19) VCF-style: chr1-241672081-G-A.
Other names: short protein forms S187L.
Identifiers: ClinVar variation 393567 (VCV000393567.14), dbSNP rs398123166, ClinGen allele CA1478650.

ClinVar aggregate classification (germline): Pathogenic/Likely pathogenic. Review status: criteria provided, multiple submitters, no conflicts (2 of 4 stars). 4 submissions from 4 submitters: Pathogenic (1); Likely pathogenic (2). 1 of the submissions does not count toward it. Last evaluated 2025-01-23.

Conditions:
Hereditary leiomyomatosis and renal cell cancer. Also called: LEIOMYOMA, MULTIPLE CUTANEOUS; MULTIPLE CUTANEOUS AND UTERINE LEIOMYOMATA 1, WITH OR WITHOUT RENAL CELL CARCINOMA; Reed syndrome; Multiple cutaneous and uterine leiomyomatosis; Cutaneous leiomyomata with uterine leiomyomata; Leiomyoma, hereditary multiple, of skin. Identifiers: Orphanet 523, MedGen C1708350, MONDO:0007888, OMIM 150800, HP:0007437. Disease mechanism: loss of function.
Hereditary cancer-predisposing syndrome. Also called: Neoplastic Syndromes, Hereditary; Hereditary Cancer Syndrome; Hereditary neoplastic syndrome; Tumor predisposition. Identifiers: Orphanet 140162, MedGen C0027672, MeSH D009386, MONDO:0015356.

Submissions (5):

Labcorp Genetics (formerly Invitae), Labcorp
Classification: Pathogenic. Last evaluated: 2025-01-23. Review status: criteria provided, single submitter. Criteria: Invitae Variant Classification Sherloc (09022015). Collection method: clinical testing. Allele origin: germline.
Comment: This sequence change replaces serine, which is neutral and polar, with leucine, which is neutral and non-polar, at codon 187 of the FH protein (p.Ser187Leu). This variant is present in population databases (rs398123166, gnomAD 0.004%). This missense change has been observed in individual(s) with hereditary leiomyomatosis and renal cell cancer (PMID: 12772087; internal data). This variant is also known as C431T and S144L. ClinVar contains an entry for this variant (Variation ID: 393567). Invitae Evidence Modeling of protein sequence and biophysical properties (such as structural, functional, and spatial information, amino acid conservation, physicochemical variation, residue mobility, and thermodynamic stability) indicates that this missense variant is expected to disrupt FH protein function with a positive predictive value of 95%. Algorithms developed to predict the effect of sequence changes on RNA splicing suggest that this variant may disrupt the consensus splice site. For these reasons, this variant has been classified as Pathogenic.

Ambry Genetics
Classification: Likely pathogenic for Hereditary cancer-predisposing syndrome. Last evaluated: 2024-08-06. Review status: criteria provided, single submitter. Criteria: Ambry Variant Classification Scheme 2023. Collection method: clinical testing. Allele origin: germline.
Comment: The p.S187L variant (also known as c.560C>T), located in coding exon 5 of the FH gene, results from a C to T substitution at nucleotide position 560. The serine at codon 187 is replaced by leucine, an amino acid with dissimilar properties. This alteration was previously identified to co-segregate with disease in one family with hereditary leiomyomatosis and renal cell cancer (HLRCC) and was absent in 210 unaffected controls (Toro JR et al. Am. J. Hum. Genet. 2003 Jul; 73(1):95-106). This variant has been observed in at least one individual with a personal and/or family history that is consistent with HLRCC (Ambry internal data). Based on structural analysis, this variant is anticipated to result in a loss of fumarate binding and catalysis (Ambry internal data; Picaud S et al. J. Inherit. Metab. Dis. 2011 Jun; 34(3):671-6; Mechaly AE et al. FEBS Lett. 2012 Jun; 586(11):1606-11). This amino acid position is highly conserved in available vertebrate species. In addition, this alteration is predicted to be deleterious by in silico analysis. Based on the majority of available evidence to date, this variant is likely to be pathogenic.

GeneDx
Classification: Likely pathogenic. Last evaluated: 2024-04-15. Review status: criteria provided, single submitter. Criteria: GeneDx Variant Classification Process June 2021. Collection method: clinical testing. Allele origin: germline. Affected: yes.
Comment: Not observed at significant frequency in large population cohorts (gnomAD); In silico analysis supports that this missense variant has a deleterious effect on protein structure/function; This variant is associated with the following publications: (PMID: 26173633, 21445611, 37255402, 12772087, 36777509)

Blake Wilde Laboratory, Roswell Park Comprehensive Cancer Center
No classification provided (evidence only). Condition: Hereditary leiomyomatosis and renal cell cancer. Review status: no classification provided. Collection method: in vitro. Allele origin: not applicable. Functional consequence: decreased enzyme activity. Not counted in ClinVar's aggregate classification.

Genomic Diagnostic Laboratory, Division of Genomic Diagnostics, Children's Hospital of Philadelphia
Classification: Uncertain significance for Hereditary leiomyomatosis and renal cell cancer. Last evaluated: 2017-01-17. Review status: flagged submission. Criteria: DGD Variant Analysis Guidelines. Collection method: clinical testing. Allele origin: germline. Affected: yes. Observed: 1 variant allele. Not counted in ClinVar's aggregate classification.
Comment: Clinical Testing
ClinVar note: Reason: Claim with insufficient supporting evidence

Literature cited by the submitters: PubMed 12772087 (cited by Labcorp Genetics (formerly Invitae), Labcorp and Ambry Genetics); PubMed 21445611 (cited by Ambry Genetics); PubMed 22561013 (cited by Ambry Genetics).